The following is an entry in ClinVar:

ClinVar aggregate classification (germline): Uncertain significance (1 of 4 stars; one submission).

Submission:

Labcorp Genetics (formerly Invitae), Labcorp
Classification: Uncertain significance. Last evaluated: 2025-05-08. Review status: criteria provided, single submitter. Criteria: Invitae Variant Classification Sherloc (09022015). Collection method: clinical testing. Allele origin: germline.
Comment: This sequence change affects codon 1108 of the MAGEL2 mRNA. It is a 'silent' change, meaning that it does not change the encoded amino acid sequence of the MAGEL2 protein. This variant is not present in population databases (gnomAD no frequency). This variant has not been reported in the literature in individuals affected with MAGEL2-related conditions. In summary, the available evidence is currently insufficient to determine the role of this variant in disease. Therefore, it has been classified as a Variant of Uncertain Significance.

NM_019066.5(MAGEL2):c.3324C>T (p.Pro1108=)

Gene: MAGEL2 (MAGE family member L2; minus strand). Cytogenetic location: 15q11.2.
Variant type: single nucleotide variant.
Coding change: c.3324C>T on transcript NM_019066.5 (MANE Select); coding-DNA position 3324, C replaced by T.
Protein change: p.Pro1108=; no amino-acid change (proline 1108 retained).
Molecular consequence: synonymous variant.
Genome position (GRCh38, 1-based): chr15:23,644,419, G>A on the plus strand (C>T on the coding strand, the complement: MAGEL2 is on the minus strand). VCF-style: chr15-23644419-G-A. GRCh37 (hg19) VCF-style: chr15-23889566-G-A.
Identifiers: ClinVar variation 4811782 (VCV004811782.1).
Genomic context (GRCh38, chr15:23,644,419, plus strand): 5'-CCTGACACAGTTGCCTTTCATAAAGATGAGGCTCAAGACCACCATCAGAAGGCCAAACTT[G>A]GGCCTGTCTAAATAGGATGCCACCAAATTCCCTGTATGGTAGCCCAGCTTGTTGATGATA-3'
Protein context (NP_061939.3, residues 1098-1118): GNLVASYLDR[Pro1108=]KFGLLMVVLS